The following is an entry in ClinVar:

NM_000258.3(MYL3):c.486G>C (p.Glu162Asp)

Gene: MYL3 (myosin light chain 3; minus strand). Cytogenetic location: 3p21.31.
Variant type: single nucleotide variant.
Coding change: c.486G>C on transcript NM_000258.3 (MANE Select); coding-DNA position 486, G replaced by C.
Protein change: p.Glu162Asp; replaces glutamic acid 162 with aspartic acid.
Molecular consequence: missense variant.
Genome position (GRCh38, 1-based): chr3:46,858,457, C>G on the plus strand (G>C on the coding strand, the complement: MYL3 is on the minus strand). VCF-style: chr3-46858457-C-G. GRCh37 (hg19) VCF-style: chr3-46899947-C-G.
Other names: c.486G>C, p.Glu162Asp (NM_001406937.1, NM_001406938.1, NM_001406939.1); c.312G>C, p.Glu104Asp (NM_001406940.1); short protein forms E104D, E162D.
Identifiers: ClinVar variation 2145539 (VCV002145539.4), dbSNP rs2544963155, ClinGen allele CA352495610.

ClinVar aggregate classification (germline): Uncertain significance (1 of 4 stars; one submission).

Conditions:
Hypertrophic cardiomyopathy. Also called: HYPERTROPHIC MYOCARDIOPATHY. Identifiers: Orphanet 217569, MedGen C0007194, MeSH D002312, MONDO:0005045, HP:0001639.

Submission:

Labcorp Genetics (formerly Invitae), Labcorp
Classification: Uncertain significance for Hypertrophic cardiomyopathy. Last evaluated: 2023-04-24. Review status: criteria provided, single submitter. Criteria: Invitae Variant Classification Sherloc (09022015). Collection method: clinical testing. Allele origin: germline.
Comment: This variant has not been reported in the literature in individuals affected with MYL3-related conditions. ClinVar contains an entry for this variant (Variation ID: 2145539). An algorithm developed to predict the effect of missense changes on protein structure and function (PolyPhen-2) suggests that this variant is likely to be disruptive. Algorithms developed to predict the effect of sequence changes on RNA splicing suggest that this variant may create or strengthen a splice site. In summary, the available evidence is currently insufficient to determine the role of this variant in disease. Therefore, it has been classified as a Variant of Uncertain Significance. This sequence change replaces glutamic acid, which is acidic and polar, with aspartic acid, which is acidic and polar, at codon 162 of the MYL3 protein (p.Glu162Asp). This variant is not present in population databases (gnomAD no frequency).